The following is an entry in ClinVar:

NM_000245.4(MET):c.1931A>G (p.His644Arg)

Gene: MET (MET proto-oncogene, receptor tyrosine kinase; plus strand). Cytogenetic location: 7q31.2.
Variant type: single nucleotide variant.
Coding change: c.1931A>G on transcript NM_000245.4 (MANE Select); coding-DNA position 1931, A replaced by G.
Protein change: p.His644Arg; replaces histidine 644 with arginine.
Molecular consequence: missense variant.
Genome position (GRCh38, 1-based): chr7:116,757,505, A>G. VCF-style: chr7-116757505-A-G. GRCh37 (hg19) VCF-style: chr7-116397559-A-G.
Other names: c.1931A>G, p.His644Arg (NM_001127500.3, NM_001324401.3); c.641A>G, p.His214Arg (NM_001324402.2); short protein forms H214R, H644R.
Identifiers: ClinVar variation 4746035 (VCV004746035.2).
Genomic context (GRCh38, chr7:116,757,505, plus strand): 5'-GCACAGTTGGTCCTGCCATGAATAAGCATTTCAATATGTCCATAATTATTTCAAATGGCC[A>G]CGGGACAACACAATACAGTACATTCTCCTATGTGGTAAGGAAGATTCTATCCTATCATGT-3'
Protein context (NP_000236.2, residues 634-654): FNMSIIISNG[His644Arg]GTTQYSTFSY

ClinVar aggregate classification (germline): Conflicting classifications of pathogenicity. Review status: criteria provided, conflicting classifications (1 of 4 stars). 2 submissions from 2 submitters: Uncertain significance (1); Likely benign (1). Last evaluated 2026-08-18.

Conditions:
Hereditary cancer-predisposing syndrome. Also called: Hereditary Cancer Syndrome; Hereditary neoplastic syndrome; Neoplastic Syndromes, Hereditary; Tumor predisposition. Identifiers: Orphanet 140162, MedGen C0027672, MeSH D009386, MONDO:0015356.
Renal cell carcinoma. Identifiers: Orphanet 217071, MedGen C0007134, MeSH D002292, MONDO:0005086, HP:0005584.

Submissions (2):

Ambry Genetics
Classification: Likely benign for Hereditary cancer-predisposing syndrome. Last evaluated: 2026-08-18. Review status: criteria provided, single submitter. Criteria: Ambry Variant Classification Scheme 2023. Collection method: clinical testing. Allele origin: germline.

Labcorp Genetics (formerly Invitae), Labcorp
Classification: Uncertain significance for Renal cell carcinoma. Last evaluated: 2025-05-17. Review status: criteria provided, single submitter. Criteria: Invitae Variant Classification Sherloc (09022015). Collection method: clinical testing. Allele origin: germline.
Comment: This sequence change replaces histidine, which is basic and polar, with arginine, which is basic and polar, at codon 644 of the MET protein (p.His644Arg). This variant is not present in population databases (gnomAD no frequency). This variant has not been reported in the literature in individuals affected with MET-related conditions. Invitae Evidence Modeling of protein sequence and biophysical properties (such as structural, functional, and spatial information, amino acid conservation, physicochemical variation, residue mobility, and thermodynamic stability) indicates that this missense variant is not expected to disrupt MET protein function with a negative predictive value of 80%. In summary, the available evidence is currently insufficient to determine the role of this variant in disease. Therefore, it has been classified as a Variant of Uncertain Significance.